The following is an entry in ClinVar:

ClinVar aggregate classification (germline): Uncertain significance. Review status: criteria provided, multiple submitters, no conflicts (2 of 4 stars). 2 submissions from 2 submitters: Uncertain significance (2). Last evaluated 2022-05-14.

Conditions:
Hereditary nonpolyposis colorectal neoplasms. Identifiers: MedGen C0009405, MeSH D003123.
Hereditary cancer-predisposing syndrome. Also called: Neoplastic Syndromes, Hereditary; Tumor predisposition; Hereditary Cancer Syndrome; Hereditary neoplastic syndrome. Identifiers: Orphanet 140162, MedGen C0027672, MeSH D009386, MONDO:0015356.

Submissions (2):

Labcorp Genetics (formerly Invitae), Labcorp
Classification: Uncertain significance for Hereditary nonpolyposis colorectal neoplasms. Last evaluated: 2022-05-14. Review status: criteria provided, single submitter. Criteria: Invitae Variant Classification Sherloc (09022015). Collection method: clinical testing. Allele origin: germline.
Comment: In summary, the available evidence is currently insufficient to determine the role of this variant in disease. Therefore, it has been classified as a Variant of Uncertain Significance. Advanced modeling of protein sequence and biophysical properties (such as structural, functional, and spatial information, amino acid conservation, physicochemical variation, residue mobility, and thermodynamic stability) performed at Invitae indicates that this missense variant is not expected to disrupt MSH6 protein function. This missense change has been observed in individual(s) with colorectal cancer (PMID: 28135145). This variant is not present in population databases (gnomAD no frequency). This sequence change replaces threonine, which is neutral and polar, with serine, which is neutral and polar, at codon 663 of the MSH6 protein (p.Thr663Ser).

Ambry Genetics
Classification: Uncertain significance for Hereditary cancer-predisposing syndrome. Last evaluated: 2022-02-03. Review status: criteria provided, single submitter. Criteria: Ambry Variant Classification Scheme 2023. Collection method: clinical testing. Allele origin: germline.
Comment: The p.T663S variant (also known as c.1988C>G), located in coding exon 4 of the MSH6 gene, results from a C to G substitution at nucleotide position 1988. The threonine at codon 663 is replaced by serine, an amino acid with similar properties. This variant has been reported in an individual affected with colorectal cancer (Yurgelun MB et al. J Clin Oncol, 2017 Apr;35:1086-1095). This amino acid position is highly conserved in available vertebrate species. In addition, the in silico prediction for this alteration is inconclusive. Since supporting evidence is limited at this time, the clinical significance of this alteration remains unclear.

Literature cited by the submitters: PubMed 28135145 (cited by Labcorp Genetics (formerly Invitae), Labcorp and Ambry Genetics).

NM_000179.3(MSH6):c.1988C>G (p.Thr663Ser)

Gene: MSH6 (mutS homolog 6; plus strand). Cytogenetic location: 2p16.3.
Variant type: single nucleotide variant.
Coding change: c.1988C>G on transcript NM_000179.3 (MANE Select); coding-DNA position 1988, C replaced by G.
Protein change: p.Thr663Ser; replaces threonine 663 with serine.
Molecular consequence: missense variant.
Genome position (GRCh38, 1-based): chr2:47,799,971, C>G. VCF-style: chr2-47799971-C-G. GRCh37 (hg19) VCF-style: chr2-48027110-C-G.
Other names: c.1598C>G, p.Thr533Ser (NM_001281492.2); c.1082C>G, p.Thr361Ser (NM_001281493.2, NM_001281494.2, NM_001406811.1 and 6 more transcripts); c.2084C>G, p.Thr695Ser (NM_001406795.1, NM_001406802.1); c.1988C>G, p.Thr663Ser (NM_001406796.1, NM_001406798.1, NM_001406800.1 and 3 more transcripts); c.1691C>G, p.Thr564Ser (NM_001406797.1, NM_001406801.1, NM_001406805.1 and 10 more transcripts); c.1463C>G, p.Thr488Ser (NM_001406799.1, NM_001406806.1, NM_001406807.1); c.1910C>G, p.Thr637Ser (NM_001406804.1); c.1994C>G, p.Thr665Ser (NM_001406813.1); and 1 more; short protein forms T361S, T533S, T564S, T607S, T695S, T488S, T637S, T663S.
Identifiers: ClinVar variation 1783899 (VCV001783899.7), dbSNP rs1558663789, ClinGen allele CA346750643.